The following is an entry in ClinVar:

NM_006648.4(WNK2):c.4295C>G (p.Thr1432Arg)

Gene: WNK2 (WNK lysine deficient protein kinase 2; plus strand). Cytogenetic location: 9q22.31.
Variant type: single nucleotide variant.
Coding change: c.4295C>G on transcript NM_006648.4 (MANE Select); coding-DNA position 4295, C replaced by G.
Protein change: p.Thr1432Arg; replaces threonine 1432 with arginine.
Molecular consequence: missense variant.
Genome position (GRCh38, 1-based): chr9:93,289,049, C>G. VCF-style: chr9-93289049-C-G. GRCh37 (hg19) VCF-style: chr9-96051331-C-G.
Other names: c.4406C>G, p.Thr1469Arg (NM_001282394.3); short protein forms T1432R, T1469R.
Identifiers: ClinVar variation 4605370 (VCV004605370.1).
Genomic context (GRCh38, chr9:93,289,049, plus strand): 5'-GAACTGCCAGCCAGGCAGGGGGTCCAGGGACACCTCAGGGGCTGACCAGTGAGCTCGAGA[C>G]GTCTCAGCCACTAGCGGAGACTCACGAGGCCCCGCTTGCTGTGCAGCCCCTCGTGGTGGG-3'
Protein context (NP_006639.3, residues 1422-1442): TPQGLTSELE[Thr1432Arg]SQPLAETHEA

ClinVar aggregate classification (germline): Uncertain significance (1 of 4 stars; one submission).

gnomAD v4.1: 1 of 1,605,032 alleles (0.000062%); highest among the groups gnomAD compares: African/African-American, 0.0013%; no homozygotes.

Submission:

Ambry Genetics
Classification: Uncertain significance. Last evaluated: 2025-11-18. Review status: criteria provided, single submitter. Criteria: Ambry Variant Classification Scheme 2023. Collection method: clinical testing. Allele origin: germline.
Comment: The p.T1432R variant (also known as c.4295C>G), located in coding exon 19 of the WNK2 gene, results from a C to G substitution at nucleotide position 4295. The threonine at codon 1432 is replaced by arginine, an amino acid with similar properties. This amino acid position is conserved. In addition, this alteration is predicted to be tolerated by in silico analysis. Based on the available evidence, the clinical significance of this variant remains unclear.